The following is an entry in ClinVar:

ClinVar aggregate classification (germline): Uncertain significance. Review status: criteria provided, single submitter (1 of 4 stars). 2 submissions from 2 submitters: Uncertain significance (1). 1 of the submissions does not count toward it. Last evaluated 2022-06-13.

Conditions:
Neuromuscular disease caused by qualitative or quantitative defects of dysferlin. Also called: Qualitative or quantitative defects of dysferlin; Dysferlinopathy. Identifiers: Orphanet 207073, MedGen C2931687, MONDO:0016145.
Autosomal recessive limb-girdle muscular dystrophy type 2B (LGMDR2). Also called: MUSCULAR DYSTROPHY, LIMB-GIRDLE, TYPE 3; MUSCULAR DYSTROPHY, LIMB-GIRDLE, AUTOSOMAL RECESSIVE 2; Limb-girdle muscular dystrophy, type 2B; Limb-Girdle Muscular Dystrophy Type 2B (LGMD2B). Identifiers: Orphanet 268, MedGen C1850889, MONDO:0009676, OMIM 253601.

Allele frequency attached by ClinVar (database versions not stated): gnomAD exomes below 0.00001.
gnomAD v4.1: 2 of 1,613,696 alleles (0.00012%); highest among the groups gnomAD compares: Middle Eastern, 0.016%; no homozygotes.

Submissions (2):

Labcorp Genetics (formerly Invitae), Labcorp
Classification: Uncertain significance for Neuromuscular disease caused by qualitative or quantitative defects of dysferlin. Last evaluated: 2022-06-13. Review status: criteria provided, single submitter. Criteria: Invitae Variant Classification Sherloc (09022015). Collection method: clinical testing. Allele origin: germline.
Comment: This sequence change replaces proline, which is neutral and non-polar, with leucine, which is neutral and non-polar, at codon 1222 of the DYSF protein (p.Pro1222Leu). This variant is not present in population databases (gnomAD no frequency). This variant has not been reported in the literature in individuals affected with DYSF-related conditions. ClinVar contains an entry for this variant (Variation ID: 662487). Advanced modeling of protein sequence and biophysical properties (such as structural, functional, and spatial information, amino acid conservation, physicochemical variation, residue mobility, and thermodynamic stability) performed at Invitae indicates that this missense variant is expected to disrupt DYSF protein function. In summary, the available evidence is currently insufficient to determine the role of this variant in disease. Therefore, it has been classified as a Variant of Uncertain Significance.

Natera, Inc.
Classification: Uncertain significance for Limb-girdle muscular dystrophy type 2B. Last evaluated: 2021-02-16. Review status: no assertion criteria provided. Collection method: clinical testing. Allele origin: germline. Not counted in ClinVar's aggregate classification.

NM_001130987.2(DYSF):c.3719C>T (p.Pro1240Leu)

Gene: DYSF (dysferlin; plus strand). Cytogenetic location: 2p13.2.
Variant type: single nucleotide variant.
Coding change: c.3719C>T on transcript NM_001130987.2 (MANE Select); coding-DNA position 3719, C replaced by T.
Protein change: p.Pro1240Leu; replaces proline 1240 with leucine.
Molecular consequence: missense variant.
Genome position (GRCh38, 1-based): chr2:71,598,708, C>T. VCF-style: chr2-71598708-C-T. GRCh37 (hg19) VCF-style: chr2-71825838-C-T.
Other names: c.3668C>T, p.Pro1223Leu (NM_001130455.2, NM_001130983.2); c.3623C>T, p.Pro1208Leu (NM_001130976.2, NM_001130977.2); c.3665C>T, p.Pro1222Leu (NM_001130978.2, NM_003494.4); c.3758C>T, p.Pro1253Leu (NM_001130979.2); c.3716C>T, p.Pro1239Leu (NM_001130980.2, NM_001130981.2); c.3761C>T, p.Pro1254Leu (NM_001130982.2); c.3626C>T, p.Pro1209Leu (NM_001130984.2, NM_001130986.2); c.3719C>T, p.Pro1240Leu (NM_001130985.2); short protein forms P1209L, P1223L, P1208L, P1239L, P1253L, P1254L, P1222L, P1240L.
Identifiers: ClinVar variation 662487 (VCV000662487.7), dbSNP rs1385670493, ClinGen allele CA347224279.